The following is an entry in ClinVar:

NM_004629.2(FANCG):c.1219G>T (p.Ala407Ser)

Gene: FANCG (FA complementation group G; minus strand). Cytogenetic location: 9p13.3.
Variant type: single nucleotide variant.
Coding change: c.1219G>T on transcript NM_004629.2 (MANE Select); coding-DNA position 1219, G replaced by T.
Protein change: p.Ala407Ser; replaces alanine 407 with serine.
Molecular consequence: missense variant.
Genome position (GRCh38, 1-based): chr9:35,075,679, C>A on the plus strand (G>T on the coding strand, the complement: FANCG is on the minus strand). VCF-style: chr9-35075679-C-A. GRCh37 (hg19) VCF-style: chr9-35075676-C-A.
Other names: short protein forms A407S.
Identifiers: ClinVar variation 3627679 (VCV003627679.2).

ClinVar aggregate classification (germline): Uncertain significance (1 of 4 stars; one submission).

Conditions:
Fanconi anemia (FA). Also called: Fanconi's anemia. Identifiers: Orphanet 84, MedGen C0015625, MeSH D005199, MONDO:0019391.

gnomAD v4.1: 3 of 1,610,112 alleles (0.00019%); highest among the groups gnomAD compares: Non-Finnish European, 0.00025%; no homozygotes.

Submission:

Labcorp Genetics (formerly Invitae), Labcorp
Classification: Uncertain significance for Fanconi anemia. Last evaluated: 2025-02-02. Review status: criteria provided, single submitter. Criteria: Invitae Variant Classification Sherloc (09022015). Collection method: clinical testing. Allele origin: germline.
Comment: This sequence change replaces alanine, which is neutral and non-polar, with serine, which is neutral and polar, at codon 407 of the FANCG protein (p.Ala407Ser). This variant is present in population databases (rs781764361, gnomAD 0.002%). This variant has not been reported in the literature in individuals affected with FANCG-related conditions. Invitae Evidence Modeling of protein sequence and biophysical properties (such as structural, functional, and spatial information, amino acid conservation, physicochemical variation, residue mobility, and thermodynamic stability) has been performed for this missense variant. However, the output from this modeling did not meet the statistical confidence thresholds required to predict the impact of this variant on FANCG protein function. In summary, the available evidence is currently insufficient to determine the role of this variant in disease. Therefore, it has been classified as a Variant of Uncertain Significance.